The following is an entry in ClinVar:

ClinVar aggregate classification (germline): Uncertain significance (1 of 4 stars; one submission).

Conditions:
Inborn genetic diseases. Identifiers: MedGen C0950123, MeSH D030342.

Allele frequency attached by ClinVar (database versions not stated): gnomAD 0.00001.
gnomAD v4.1: 1 of 1,613,800 alleles (0.000062%); highest among the groups gnomAD compares: African/African-American, 0.0013%; no homozygotes.

Submission:

Ambry Genetics
Classification: Uncertain significance for Inborn genetic diseases. Last evaluated: 2022-01-02. Review status: criteria provided, single submitter. Criteria: Ambry Variant Classification Scheme 2023. Collection method: clinical testing. Allele origin: germline.
Comment: The p.S389T variant (also known as c.1165T>A), located in coding exon 9 of the BUB1B gene, results from a T to A substitution at nucleotide position 1165. The serine at codon 389 is replaced by threonine, an amino acid with similar properties. This amino acid position is conserved. In addition, this alteration is predicted to be tolerated by in silico analysis. Since supporting evidence is limited at this time, the clinical significance of this alteration remains unclear.

NM_001211.6(BUB1B):c.1165T>A (p.Ser389Thr)

Gene: BUB1B (BUB1 mitotic checkpoint serine/threonine kinase B; plus strand). Cytogenetic location: 15q15.1.
Variant type: single nucleotide variant.
Coding change: c.1165T>A on transcript NM_001211.6 (MANE Select); coding-DNA position 1165, T replaced by A.
Protein change: p.Ser389Thr; replaces serine 389 with threonine.
Molecular consequence: missense variant.
Genome position (GRCh38, 1-based): chr15:40,196,651, T>A. VCF-style: chr15-40196651-T-A. GRCh37 (hg19) VCF-style: chr15-40488852-T-A.
Other names: short protein forms S389T.
Identifiers: ClinVar variation 1738134 (VCV001738134.2), dbSNP rs878958836, ClinGen allele CA268791092.